The following is an entry in ClinVar:

NM_001385125.1(OPN1SW):c.344-3C>G

Gene: OPN1SW (opsin 1, short wave sensitive; minus strand). Cytogenetic location: 7q32.1.
Variant type: single nucleotide variant.
Coding change: c.344-3C>G on transcript NM_001385125.1 (MANE Select); 3 bases into the intron before coding-DNA position 344, C replaced by G.
Molecular consequence: intron variant.
Genome position (GRCh38, 1-based): chr7:128,775,157, G>C on the plus strand (C>G on the coding strand, the complement: OPN1SW is on the minus strand). VCF-style: chr7-128775157-G-C. GRCh37 (hg19) VCF-style: chr7-128415211-G-C.
Identifiers: ClinVar variation 1491966 (VCV001491966.6), dbSNP rs375076605, ClinGen allele CA4472964.

ClinVar aggregate classification (germline): Uncertain significance (1 of 4 stars; one submission).

Allele frequency attached by ClinVar (database versions not stated): gnomAD exomes 0.00001; ExAC 0.00002; ESP Exome Variant Server 0.00008.

Submission:

Labcorp Genetics (formerly Invitae), Labcorp
Classification: Uncertain significance. Last evaluated: 2022-02-09. Review status: criteria provided, single submitter. Criteria: Invitae Variant Classification Sherloc (09022015). Collection method: clinical testing. Allele origin: germline.
Comment: In summary, the available evidence is currently insufficient to determine the role of this variant in disease. Therefore, it has been classified as a Variant of Uncertain Significance. Variants that disrupt the consensus splice site are a relatively common cause of aberrant splicing (PMID: 17576681, 9536098). Algorithms developed to predict the effect of sequence changes on RNA splicing suggest that this variant may disrupt the consensus splice site. This variant has not been reported in the literature in individuals affected with OPN1SW-related conditions. This variant is present in population databases (rs375076605, gnomAD 0.002%). This sequence change falls in intron 1 of the OPN1SW gene. It does not directly change the encoded amino acid sequence of the OPN1SW protein. It affects a nucleotide within the consensus splice site.

Literature cited by the submitters: PubMed 17576681; PubMed 9536098.